The following is an entry in ClinVar:

NM_005530.3(IDH3A):c.307A>G (p.Ile103Val)

Gene: IDH3A (isocitrate dehydrogenase (NAD(+)) 3 catalytic subunit alpha; plus strand). Cytogenetic location: 15q25.1.
Variant type: single nucleotide variant.
Coding change: c.307A>G on transcript NM_005530.3 (MANE Select); coding-DNA position 307, A replaced by G.
Protein change: p.Ile103Val; replaces isoleucine 103 with valine.
Molecular consequence: missense variant.
Genome position (GRCh38, 1-based): chr15:78,161,598, A>G. VCF-style: chr15-78161598-A-G. GRCh37 (hg19) VCF-style: chr15-78453940-A-G.
Other names: c.307A>G (NM_005530.2); short protein forms I103V.
Identifiers: ClinVar variation 1907718 (VCV001907718.4), dbSNP rs762403654, ClinGen allele CA7680547.

ClinVar aggregate classification (germline): Uncertain significance. Review status: criteria provided, multiple submitters, no conflicts (2 of 4 stars). 3 submissions from 3 submitters: Uncertain significance (3). Last evaluated 2025-04-04.

Allele frequency attached by ClinVar (database versions not stated): TOPMed below 0.00001; ExAC 0.00001; gnomAD 0.00001; gnomAD exomes 0.00001.
gnomAD v4.1: 17 of 1,613,584 alleles (0.0011%); highest among the groups gnomAD compares: South Asian, 0.0022%; no homozygotes.

Submissions (3):

Ambry Genetics
Classification: Uncertain significance. Last evaluated: 2025-04-04. Review status: criteria provided, single submitter. Criteria: Ambry Variant Classification Scheme 2023. Collection method: clinical testing. Allele origin: germline.

Labcorp Genetics (formerly Invitae), Labcorp
Classification: Uncertain significance. Last evaluated: 2022-08-17. Review status: criteria provided, single submitter. Criteria: Invitae Variant Classification Sherloc (09022015). Collection method: clinical testing. Allele origin: germline.
Comment: This sequence change replaces isoleucine, which is neutral and non-polar, with valine, which is neutral and non-polar, at codon 103 of the IDH3A protein (p.Ile103Val). This variant is present in population databases (rs762403654, gnomAD 0.003%). This variant has not been reported in the literature in individuals affected with IDH3A-related conditions. Algorithms developed to predict the effect of missense changes on protein structure and function are either unavailable or do not agree on the potential impact of this missense change (SIFT: "Deleterious"; PolyPhen-2: "Benign"; Align-GVGD: "Class C0"). In summary, the available evidence is currently insufficient to determine the role of this variant in disease. Therefore, it has been classified as a Variant of Uncertain Significance.

Blueprint Genetics
Classification: Uncertain significance. Last evaluated: 2021-12-13. Review status: criteria provided, single submitter. Criteria: ACMG Guidelines, 2015. Collection method: clinical testing. Allele origin: germline.